The following is an entry in ClinVar:

NM_024675.4(PALB2):c.1915G>A (p.Glu639Lys)

Gene: PALB2 (partner and localizer of BRCA2; minus strand). Cytogenetic location: 16p12.2.
Variant type: single nucleotide variant.
Coding change: c.1915G>A on transcript NM_024675.4 (MANE Select); coding-DNA position 1915, G replaced by A.
Protein change: p.Glu639Lys; replaces glutamic acid 639 with lysine.
Molecular consequence: missense variant.
Genome position (GRCh38, 1-based): chr16:23,630,239, C>T on the plus strand (G>A on the coding strand, the complement: PALB2 is on the minus strand). VCF-style: chr16-23630239-C-T. GRCh37 (hg19) VCF-style: chr16-23641560-C-T.
Other names: short protein forms E639K.
Identifiers: ClinVar variation 480267 (VCV000480267.8), dbSNP rs1555460592, ClinGen allele CA395127530.

ClinVar aggregate classification (germline): Uncertain significance. Review status: criteria provided, multiple submitters, no conflicts (2 of 4 stars). 2 submissions from 2 submitters: Uncertain significance (2). Last evaluated 2025-10-28.

Conditions:
Familial cancer of breast. Also called: BREAST CANCER, FAMILIAL; Hereditary breast cancer; hereditary breast carcinoma. Identifiers: Orphanet 227535, MedGen C0346153, MONDO:0016419, OMIM 114480. Disease mechanism: loss of function.
Hereditary cancer-predisposing syndrome. Also called: Hereditary Cancer Syndrome; Neoplastic Syndromes, Hereditary; Tumor predisposition; Hereditary neoplastic syndrome. Identifiers: Orphanet 140162, MedGen C0027672, MeSH D009386, MONDO:0015356.

gnomAD v4.1: 1 of 1,614,130 alleles (0.000062%); no homozygotes.

Submissions (2):

Ambry Genetics
Classification: Uncertain significance for Hereditary cancer-predisposing syndrome. Last evaluated: 2025-10-28. Review status: criteria provided, single submitter. Criteria: Ambry Variant Classification Scheme 2023. Collection method: clinical testing. Allele origin: germline.
Comment: The p.E639K variant (also known as c.1915G>A), located in coding exon 5 of the PALB2 gene, results from a G to A substitution at nucleotide position 1915. The glutamic acid at codon 639 is replaced by lysine, an amino acid with similar properties. This amino acid position is not well conserved in available vertebrate species. In addition, this alteration is predicted to be tolerated by in silico analysis. Since supporting evidence is limited at this time, the clinical significance of this alteration remains unclear.

Labcorp Genetics (formerly Invitae), Labcorp
Classification: Uncertain significance for Familial cancer of breast. Last evaluated: 2024-07-16. Review status: criteria provided, single submitter. Criteria: Invitae Variant Classification Sherloc (09022015). Collection method: clinical testing. Allele origin: germline.
Comment: This sequence change replaces glutamic acid, which is acidic and polar, with lysine, which is basic and polar, at codon 639 of the PALB2 protein (p.Glu639Lys). This variant is not present in population databases (gnomAD no frequency). This variant has not been reported in the literature in individuals affected with PALB2-related conditions. ClinVar contains an entry for this variant (Variation ID: 480267). Advanced modeling of protein sequence and biophysical properties (such as structural, functional, and spatial information, amino acid conservation, physicochemical variation, residue mobility, and thermodynamic stability) performed at Invitae indicates that this missense variant is not expected to disrupt PALB2 protein function with a negative predictive value of 80%. In summary, the available evidence is currently insufficient to determine the role of this variant in disease. Therefore, it has been classified as a Variant of Uncertain Significance.